The following is an entry in ClinVar:

NM_014297.5(ETHE1):c.535C>T (p.His179Tyr)

Gene: ETHE1 (ETHE1 persulfide dioxygenase; minus strand). Cytogenetic location: 19q13.31.
Variant type: single nucleotide variant.
Coding change: c.535C>T on transcript NM_014297.5 (MANE Select); coding-DNA position 535, C replaced by T.
Protein change: p.His179Tyr; replaces histidine 179 with tyrosine.
Molecular consequence: missense variant.
Genome position (GRCh38, 1-based): chr19:43,508,835, G>A on the plus strand (C>T on the coding strand, the complement: ETHE1 is on the minus strand). VCF-style: chr19-43508835-G-A. GRCh37 (hg19) VCF-style: chr19-44012987-G-A.
Other names: c.502C>T, p.His168Tyr (NM_001320867.2); c.166C>T, p.His56Tyr (NM_001320868.2); c.241C>T, p.His81Tyr (NM_001320869.2); short protein forms H168Y, H56Y, H179Y, H81Y.
Identifiers: ClinVar variation 894211 (VCV000894211.14), dbSNP rs370182416, ClinGen allele CA9487828.

ClinVar aggregate classification (germline): Conflicting classifications of pathogenicity. Review status: criteria provided, conflicting classifications (1 of 4 stars). 4 submissions from 4 submitters: Uncertain significance (3); Likely benign (1). Last evaluated 2025-11-12.

Conditions:
Ethylmalonic encephalopathy (EE). Also called: EPEMA syndrome; Encephalopathy, petechiae, and ethylmalonic aciduria; Syndrome of encephalopathy, petechiae, and ethylmalonic aciduria. Identifiers: Orphanet 51188, MedGen C1865349, MONDO:0011229, OMIM 602473. Disease mechanism: loss of function.

Allele frequency attached by ClinVar (database versions not stated): TOPMed 0.00003; gnomAD 0.00006 and 0.00007; ExAC 0.00008; ESP Exome Variant Server 0.00008; gnomAD exomes 0.00010.

Submissions (4):

Labcorp Genetics (formerly Invitae), Labcorp
Classification: Likely benign for Ethylmalonic encephalopathy. Last evaluated: 2025-11-12. Review status: criteria provided, single submitter. Criteria: Invitae Variant Classification Sherloc (09022015). Collection method: clinical testing. Allele origin: germline.

GeneDx
Classification: Uncertain significance. Last evaluated: 2025-07-30. Review status: criteria provided, single submitter. Criteria: GeneDx Variant Classification Process June 2021. Collection method: clinical testing. Allele origin: germline. Affected: yes.
Comment: In silico analysis supports that this missense variant has a deleterious effect on protein structure/function; Has not been previously published as pathogenic or benign to our knowledge

Blueprint Genetics
Classification: Uncertain significance. Last evaluated: 2023-08-31. Review status: criteria provided, single submitter. Criteria: ACMG Guidelines, 2015. Collection method: clinical testing. Allele origin: germline.

Illumina Laboratory Services, Illumina
Classification: Uncertain significance for Ethylmalonic encephalopathy. Last evaluated: 2018-01-13. Review status: criteria provided, single submitter. Criteria: ICSL Variant Classification Criteria 13 December 2019. Collection method: clinical testing. Allele origin: germline.